The following is an entry in ClinVar:

ClinVar aggregate classification (germline): Uncertain significance (1 of 4 stars; one submission).

Submission:

Labcorp Genetics (formerly Invitae), Labcorp
Classification: Uncertain significance. Last evaluated: 2025-01-23. Review status: criteria provided, single submitter. Criteria: Invitae Variant Classification Sherloc (09022015). Collection method: clinical testing. Allele origin: germline.
Comment: This variant, c.2136_2138del, results in the deletion of 1 amino acid(s) of the CTNNA1 protein (p.Ile713del), but otherwise preserves the integrity of the reading frame. This variant is not present in population databases (gnomAD no frequency). This variant has not been reported in the literature in individuals affected with CTNNA1-related conditions. Experimental studies and prediction algorithms are not available or were not evaluated, and the functional significance of this variant is currently unknown. In summary, the available evidence is currently insufficient to determine the role of this variant in disease. Therefore, it has been classified as a Variant of Uncertain Significance.

NM_001903.5(CTNNA1):c.2133CAT[1] (p.Ile713del)

Gene: CTNNA1 (catenin alpha 1; plus strand). Cytogenetic location: 5q31.2.
Variant type: Microsatellite.
Coding change: c.2133CAT[1] on transcript NM_001903.5 (MANE Select); one copy of the 3-base unit CAT starting at c.2133; the reference has two copies in a row; one copy, 3 bases deleted.
Protein change: p.Ile713del; deletes isoleucine 713.
Genome position (GRCh38, 1-based): chr5:138,930,598-138,930,600, CAT deleted; deleting any 3 consecutive bases within chr5:138,930,595-138,930,600 gives the same sequence; the position shown is the placement nearest the transcript's 3' end. VCF-style (leftmost placement, unchanged base first): chr5-138930594-ACAT-A. GRCh37 (hg19) VCF-style: chr5-138266283-ACAT-A.
Other names: c.1023CAT[1], p.Ile343del (NM_001324000.1, NM_001324001.1, NM_001324002.1 and 17 more transcripts); c.684CAT[1], p.Ile230del (NM_001324006.1, NM_001324007.1, NM_001324008.1 and 2 more transcripts); c.2133CAT[1], p.Ile713del (NM_001290307.3, NM_001323982.2, NM_001323983.1 and 2 more transcripts); c.1824CAT[1], p.Ile610del (NM_001290309.3); c.1764CAT[1], p.Ile590del (NM_001290310.3); c.2040CAT[1], p.Ile682del (NM_001323986.2); c.930CAT[1], p.Ile312del (NM_001324011.1); c.780CAT[1], p.Ile262del (NM_001324012.1, NM_001324013.1); short protein forms I312del, I590del, I230del, I262del, I682del, I610del, I713del, I343del.
Identifiers: ClinVar variation 3654920 (VCV003654920.2).
Genomic context (GRCh38, chr5:138,930,594, plus strand): 5'-TCCAGGAAGAAAAGAGCAAGCTGGATGCTGAAGTGTCCAAATGGGACGACAGTGGCAATG[ACAT>A]CATTGTGCTGGCCAAGCAGATGTGCATGATTATGATGGAGATGACAGACTTTACCCGGTG-3'